The following is an entry in ClinVar:

ClinVar aggregate classification (germline): Uncertain significance (1 of 4 stars; one submission).

Allele frequency attached by ClinVar (database versions not stated): gnomAD 0.00001; gnomAD exomes 0.00001; TOPMed 0.00001.

Submission:

Labcorp Genetics (formerly Invitae), Labcorp
Classification: Uncertain significance. Last evaluated: 2023-10-24. Review status: criteria provided, single submitter. Criteria: Invitae Variant Classification Sherloc (09022015). Collection method: clinical testing. Allele origin: germline.
Comment: This sequence change falls in intron 5 of the ITGAM gene. It does not directly change the encoded amino acid sequence of the ITGAM protein. It affects a nucleotide within the consensus splice site. This variant is not present in population databases (gnomAD no frequency). This variant has not been reported in the literature in individuals affected with ITGAM-related conditions. Variants that disrupt the consensus splice site are a relatively common cause of aberrant splicing (PMID: 17576681, 9536098). Algorithms developed to predict the effect of sequence changes on RNA splicing suggest that this variant is not likely to affect RNA splicing. In summary, the available evidence is currently insufficient to determine the role of this variant in disease. Therefore, it has been classified as a Variant of Uncertain Significance.

Literature cited by the submitters: PubMed 17576681; PubMed 9536098.

NM_000632.4(ITGAM):c.428-3C>T

Gene: ITGAM (integrin subunit alpha M; plus strand). Cytogenetic location: 16p11.2.
Variant type: single nucleotide variant.
Coding change: c.428-3C>T on transcript NM_000632.4 (MANE Select); 3 bases into the intron before coding-DNA position 428, C replaced by T.
Molecular consequence: intron variant.
Genome position (GRCh38, 1-based): chr16:31,270,951, C>T. VCF-style: chr16-31270951-C-T. GRCh37 (hg19) VCF-style: chr16-31282272-C-T.
Other names: c.428-3C>T (NM_001145808.2).
Identifiers: ClinVar variation 3017792 (VCV003017792.3), dbSNP rs1195822973, ClinGen allele CA621878478.